The following is an entry in ClinVar:

ClinVar aggregate classification (germline): Conflicting classifications of pathogenicity. Review status: criteria provided, conflicting classifications (1 of 4 stars). 9 submissions from 9 submitters: Pathogenic (1); Likely pathogenic (1); Uncertain significance (5); Likely benign (2). Last evaluated 2026-03-06.

Conditions:
Cardiomyopathy, dilated, with wooly hair, keratoderma, and tooth agenesis. Also called: Erythrokeratodermia-cardiomyopathy syndrome; Cardiomyopathy, dilated, with woolly hair, keratoderma, and tooth agenesis. Identifiers: Orphanet 476096, Orphanet 65282, MedGen C4014393, MONDO:0014355, OMIM 615821.
Arrhythmogenic cardiomyopathy with wooly hair and keratoderma. Also called: Dilated cardiomyopathy with woolly hair and keratoderma; Carvajal syndrome; PALMOPLANTAR KERATODERMA WITH LEFT VENTRICULAR CARDIOMYOPATHY AND WOOLLY HAIR; Arrhythmogenic cardiomyopathy with woolly hair and keratoderma. Identifiers: Orphanet 65282, MedGen C1854063, MONDO:0011581, OMIM 605676.
Arrhythmogenic right ventricular dysplasia 8 (ARVD8). Also called: ARRHYTHMOGENIC RIGHT VENTRICULAR DYSPLASIA, FAMILIAL, 8; ARRHYTHMOGENIC RIGHT VENTRICULAR CARDIOMYOPATHY 8; Arrhythmogenic Right Ventricular Dysplasia/Cardiomyopathy 8. Identifiers: MedGen C1843896, MONDO:0011831, OMIM 607450.
Woolly hair-skin fragility syndrome (WHSF). Identifiers: Orphanet 293165, MedGen C1843292, MONDO:0957307, OMIM 620415.
Lethal acantholytic epidermolysis bullosa (EBLA). Identifiers: Orphanet 158687, MedGen C1864826, MONDO:0012323, OMIM 609638.
Keratosis palmoplantaris striata 2. Also called: KERATODERMA, PALMOPLANTAR, STRIATE FORM II; STRIATE PALMOPLANTAR KERATODERMA II; Keratosis palmoplantaris striata II. Identifiers: MedGen C1852127, MONDO:0013034, OMIM 612908.
Cardiomyopathy (CMYO). Also called: Cardiomyopathies. Identifiers: Orphanet 167848, MedGen C0878544, MONDO:0004994, HP:0001638. Inheritance: Various modes of inheritance.
Cardiovascular phenotype. Identifiers: MedGen CN230736.

Allele frequency attached by ClinVar (database versions not stated): gnomAD 0.00001; ExAC 0.00002; gnomAD exomes 0.00003 and 0.00006; TOPMed 0.00003.
gnomAD v4.1: 18 of 1,614,074 alleles (0.0011%); highest among the groups gnomAD compares: Admixed American, 0.025%; no homozygotes.

Submissions (9):

Women's Health and Genetics/Laboratory Corporation of America, LabCorp
Classification: Likely pathogenic for Arrhythmogenic cardiomyopathy with wooly hair and keratoderma. Last evaluated: 2026-03-06. Review status: criteria provided, single submitter. Criteria: LabCorp Variant Classification Summary - May 2015. Collection method: clinical testing. Allele origin: germline.
Comment: Variant summary: DSP c.6902T>C (p.Ile2301Thr) results in a non-conservative amino acid change in the encoded protein sequence. Algorithms developed to predict the effect of missense changes on protein structure and function all suggest that this variant is likely to be disruptive. The variant allele was found at a frequency of 6e-05 in 251492 control chromosomes (gnomAD). This frequency is not significantly higher than estimated for disease-causing variants in DSP, allowing no conclusion about variant significance. c.6902T>C has been observed in numerous homozygous and compound heterozygous individuals affected with autosomal recessive dilated cardiomyopathy, nonsyndromic arrhythmogenic cardiomyopathy and/or variable cardiovascular issues such as sudden cardiac arrest, syncopal events, ARVC, tachyarrhythmia, sudden death, with or without history of heart transplant (Carnevale_2020, internal data), including at least 1 family where it segregated with disease. However, some of these individuals' phenotype/genotype data were not available for independent review. Notably, none of the affected individuals were reported to have extra-cardiac features of Carvajal syndrome (i.e. wooly hair and palmoplantar keratoderma etc). These data indicate that the variant is very likely to be associated with nonsyndromic cardiac disease. To our knowledge, no experimental evidence demonstrating an impact on protein function has been reported. The following publications have been ascertained in the context of this evaluation (PMID: 32969603). ClinVar contains an entry for this variant (Variation ID: 263528). To our knowledge, this variant has not been reported in individuals with autosomal dominant DSP-related conditions. Based on the evidence outlined above, the variant was classified as likely pathogenic for autosomal recessive DSP-related conditions.

Labcorp Genetics (formerly Invitae), Labcorp
Classification: Pathogenic for Arrhythmogenic cardiomyopathy with wooly hair and keratoderma; Arrhythmogenic right ventricular dysplasia 8. Last evaluated: 2026-02-01. Review status: criteria provided, single submitter. Criteria: Invitae Variant Classification Sherloc (09022015). Collection method: clinical testing. Allele origin: germline.
Comment: This sequence change replaces isoleucine, which is neutral and non-polar, with threonine, which is neutral and polar, at codon 2301 of the DSP protein (p.Ile2301Thr). This variant is present in population databases (rs772381363, gnomAD 0.04%). This missense change has been observed in individual(s) with autosomal recessive non-syndromic dilated cardiomyopathy (PMID: 32969603; internal data). Family members who are heterozygous for this variant appear clinically unaffected (internal data), consistent with autosomal recessive inheritance. This variant is not expected to cause autosomal dominant disease. ClinVar contains an entry for this variant (Variation ID: 263528). An algorithm developed to predict the effect of missense changes on protein structure and function (PolyPhen-2) suggests that this variant is likely to be disruptive. For these reasons, this variant has been classified as Pathogenic.

Mayo Clinic Laboratories, Mayo Clinic
Classification: Uncertain significance. Last evaluated: 2025-08-29. Review status: criteria provided, single submitter. Criteria: ACMG Guidelines, 2015. Collection method: clinical testing. Allele origin: germline. Observed: 1 variant allele.
Comment: PP3_moderate

Color Diagnostics, LLC DBA Color Health
Classification: Likely benign for Cardiomyopathy. Last evaluated: 2025-03-24. Review status: criteria provided, single submitter. Criteria: ACMG Guidelines, 2015. Collection method: clinical testing. Allele origin: germline.

GeneDx
Classification: Uncertain significance. Last evaluated: 2024-08-12. Review status: criteria provided, single submitter. Criteria: GeneDx Variant Classification Process June 2021. Collection method: clinical testing. Allele origin: germline. Affected: yes.
Comment: Identified with a second DSP variant in a patient with dilated cardiomyopathy (PMID: 32969603); In silico analysis supports that this missense variant has a deleterious effect on protein structure/function; This variant is associated with the following publications: (PMID: 32969603)

All of Us Research Program, National Institutes of Health
Classification: Uncertain significance for Arrhythmogenic cardiomyopathy with wooly hair and keratoderma. Last evaluated: 2024-01-11. Review status: criteria provided, single submitter. Criteria: ACMG Guidelines, 2015. Collection method: clinical testing. Allele origin: germline. Inheritance: Autosomal dominant inheritance. Observed: 9 variant alleles, 9 heterozygotes.
Comment: This missense variant replaces isoleucine with threonine at codon 2301 of the DSP protein. Computational prediction suggests that this variant may have deleterious impact on protein structure and function (internally defined REVEL score threshold >= 0.7, PMID: 27666373). To our knowledge, functional studies have not been reported for this variant. This variant has been reported in an individual affected with dilated cardiomyopathy, who also carried a pathogenic truncation variant in the DSP gene that could explain the observed phenotype (PMID: 32969603). This variant has been identified in 15/251492 chromosomes in the general population by the Genome Aggregation Database (gnomAD). The available evidence is insufficient to determine the role of this variant in disease conclusively. Therefore, this variant is classified as a Variant of Uncertain Significance.

This study involves interpretation of variants in research participants for the purpose of population health screening. Participant phenotype was not available at the time of variant classification. Additional details can be found in publication PMID: 35346344, PMCID: PMC8962531

Ambry Genetics
Classification: Likely benign for Cardiovascular phenotype. Last evaluated: 2023-10-26. Review status: criteria provided, single submitter. Criteria: Ambry Variant Classification Scheme 2023. Collection method: clinical testing. Allele origin: germline.

Fulgent Genetics
Classification: Uncertain significance for Arrhythmogenic cardiomyopathy with wooly hair and keratoderma; Arrhythmogenic right ventricular dysplasia 8; Lethal acantholytic epidermolysis bullosa; Keratosis palmoplantaris striata 2; Cardiomyopathy, dilated, with wooly hair, keratoderma, and tooth agenesis. Last evaluated: 2018-10-31. Review status: criteria provided, single submitter. Criteria: ACMG Guidelines, 2015. Collection method: clinical testing. Allele origin: unknown.

Stanford Center for Inherited Cardiovascular Disease, Stanford University
Classification: Uncertain significance. Last evaluated: 2015-12-16. Review status: criteria provided, single submitter. Criteria: ACMG Guidelines, 2015. Collection method: provider interpretation. Allele origin: germline.

Literature cited by the submitters: PubMed 32969603 (cited by 5 submitters).

NM_004415.4(DSP):c.6902T>C (p.Ile2301Thr)

Gene: DSP (desmoplakin; plus strand). Cytogenetic location: 6p24.3.
Variant type: single nucleotide variant.
Coding change: c.6902T>C on transcript NM_004415.4 (MANE Select); coding-DNA position 6902, T replaced by C.
Protein change: p.Ile2301Thr; replaces isoleucine 2301 with threonine.
Molecular consequence: missense variant.
Genome position (GRCh38, 1-based): chr6:7,584,164, T>C. VCF-style: chr6-7584164-T-C. GRCh37 (hg19) VCF-style: chr6-7584397-T-C.
Other names: p.Ile2301Thr; c.6902T>C (LRG_423t1); c.5105T>C, p.Ile1702Thr (NM_001008844.3); c.5573T>C, p.Ile1858Thr (NM_001319034.2); short protein forms I2301T, I1858T, I1702T.
Identifiers: ClinVar variation 263528 (VCV000263528.20), dbSNP rs772381363, ClinGen allele CA048606.